The following is an entry in ClinVar:

NM_001372.4(DNAH9):c.272C>G (p.Pro91Arg)

Gene: DNAH9 (dynein axonemal heavy chain 9; plus strand). Cytogenetic location: 17p12.
Variant type: single nucleotide variant.
Coding change: c.272C>G on transcript NM_001372.4 (MANE Select); coding-DNA position 272, C replaced by G.
Protein change: p.Pro91Arg; replaces proline 91 with arginine.
Molecular consequence: missense variant.
Genome position (GRCh38, 1-based): chr17:11,598,770, C>G. VCF-style: chr17-11598770-C-G. GRCh37 (hg19) VCF-style: chr17-11502087-C-G.
Other names: short protein forms P91R.
Identifiers: ClinVar variation 2814654 (VCV002814654.3), dbSNP rs1299317092, ClinGen allele CA398154328.
Genomic context (GRCh38, chr17:11,598,770, plus strand): 5'-TGCTGGTGGTGCGGCCCGGGCCCAGGGGCCTGGCAATACGCCCCGGGCTGGAGGTGGGAC[C>G]TGAGTCGGGCCTGGCTGGCGCTAAGGCGCTTTTTTTCCTTCGCACCGGGCCCGAGCCTCC-3'
Protein context (NP_001363.2, residues 81-101): LAIRPGLEVG[Pro91Arg]ESGLAGAKAL

ClinVar aggregate classification (germline): Uncertain significance (1 of 4 stars; one submission).

gnomAD v4.1: 1 of 1,457,344 alleles (0.000069%); highest among the groups gnomAD compares: Non-Finnish European, 0.00009%; no homozygotes.

Submission:

Labcorp Genetics (formerly Invitae), Labcorp
Classification: Uncertain significance. Last evaluated: 2023-11-27. Review status: criteria provided, single submitter. Criteria: Invitae Variant Classification Sherloc (09022015). Collection method: clinical testing. Allele origin: germline.
Comment: This sequence change replaces proline, which is neutral and non-polar, with arginine, which is basic and polar, at codon 91 of the DNAH9 protein (p.Pro91Arg). This variant is not present in population databases (gnomAD no frequency). This variant has not been reported in the literature in individuals affected with DNAH9-related conditions. An algorithm developed to predict the effect of missense changes on protein structure and function (PolyPhen-2) suggests that this variant is likely to be tolerated. In summary, the available evidence is currently insufficient to determine the role of this variant in disease. Therefore, it has been classified as a Variant of Uncertain Significance.